The following is an entry in ClinVar:

ClinVar aggregate classification (germline): Uncertain significance. Review status: criteria provided, multiple submitters, no conflicts (2 of 4 stars). 2 submissions from 2 submitters: Uncertain significance (2). Last evaluated 2025-12-02.

Conditions:
Ataxia-telangiectasia syndrome (AT). Also called: Ataxia-telangiectasia, complementation group D; AT, COMPLEMENTATION GROUP C; ATAXIA-TELANGIECTASIA, COMPLEMENTATION GROUP A; ATAXIA-TELANGIECTASIA, FRESNO VARIANT; Ataxia-telangiectasia; Cerebello-oculocutaneous telangiectasia. Identifiers: Orphanet 100, MedGen C0004135, MONDO:0008840, OMIM 208900.

Submissions (2):

Labcorp Genetics (formerly Invitae), Labcorp
Classification: Uncertain significance for Ataxia-telangiectasia syndrome. Last evaluated: 2025-12-02. Review status: criteria provided, single submitter. Criteria: Invitae Variant Classification Sherloc (09022015). Collection method: clinical testing. Allele origin: germline.
Comment: This sequence change replaces valine, which is neutral and non-polar, with alanine, which is neutral and non-polar, at codon 1268 of the ATM protein (p.Val1268Ala). This variant is not present in population databases (gnomAD no frequency). This variant has not been reported in the literature in individuals affected with ATM-related conditions. ClinVar contains an entry for this variant (Variation ID: 1003314). Invitae Evidence Modeling of protein sequence and biophysical properties (such as structural, functional, and spatial information, amino acid conservation, physicochemical variation, residue mobility, and thermodynamic stability) indicates that this missense variant is not expected to disrupt ATM protein function with a negative predictive value of 95%. In summary, the available evidence is currently insufficient to determine the role of this variant in disease. Therefore, it has been classified as a Variant of Uncertain Significance.

GeneDx
Classification: Uncertain significance. Last evaluated: 2021-02-03. Review status: criteria provided, single submitter. Criteria: GeneDx Variant Classification Process June 2021. Collection method: clinical testing. Allele origin: germline. Affected: yes.
Comment: Not observed in large population cohorts (Lek 2016); In silico analysis supports that this missense variant does not alter protein structure/function; Has not been previously published as pathogenic or benign to our knowledge

NM_000051.4(ATM):c.3803T>C (p.Val1268Ala)

Gene: ATM (ATM serine/threonine kinase; plus strand). Cytogenetic location: 11q22.3.
Variant type: single nucleotide variant.
Coding change: c.3803T>C on transcript NM_000051.4 (MANE Select); coding-DNA position 3803, T replaced by C.
Protein change: p.Val1268Ala; replaces valine 1268 with alanine.
Molecular consequence: missense variant.
Genome position (GRCh38, 1-based): chr11:108,284,283, T>C. VCF-style: chr11-108284283-T-C. GRCh37 (hg19) VCF-style: chr11-108155010-T-C.
Other names: c.3803T>C, p.Val1268Ala (NM_001351834.2); short protein forms V1268A.
Identifiers: ClinVar variation 1003314 (VCV001003314.10), dbSNP rs1269513731, ClinGen allele CA382524745.
Genomic context (GRCh38, chr11:108,284,283, plus strand): 5'-TTAGATCTTGTTATAAGGTTTTGATTCCACATCTGGTGATTAGAAGTCATTTTGATGAGG[T>C]GAAGTCCATTGCTAATCAGATTCAAGAGGACTGGAAAAGTCTTCTAACAGACTGCTTTCC-3'
Protein context (NP_000042.3, residues 1258-1278): HLVIRSHFDE[Val1268Ala]KSIANQIQED